The following is an entry in ClinVar:

ClinVar aggregate classification (germline): Uncertain significance (1 of 4 stars; one submission).

Conditions:
Hereditary cancer-predisposing syndrome. Also called: Tumor predisposition; Hereditary neoplastic syndrome; Neoplastic Syndromes, Hereditary; Hereditary Cancer Syndrome. Identifiers: Orphanet 140162, MedGen C0027672, MeSH D009386, MONDO:0015356.

Submission:

Ambry Genetics
Classification: Uncertain significance for Hereditary cancer-predisposing syndrome. Last evaluated: 2025-04-13. Review status: criteria provided, single submitter. Criteria: Ambry Variant Classification Scheme 2023. Collection method: clinical testing. Allele origin: germline.
Comment: The p.H773N variant (also known as c.2317C>A), located in coding exon 15 of the CDH1 gene, results from a C to A substitution at nucleotide position 2317. The histidine at codon 773 is replaced by asparagine, an amino acid with similar properties. This amino acid position is conserved. In addition, the in silico prediction for this alteration is inconclusive. Based on the available evidence, the clinical significance of this variant remains unclear.

NM_004360.5(CDH1):c.2317C>A (p.His773Asn)

Gene: CDH1 (cadherin 1; plus strand). Cytogenetic location: 16q22.1.
Variant type: single nucleotide variant.
Coding change: c.2317C>A on transcript NM_004360.5 (MANE Select); coding-DNA position 2317, C replaced by A.
Protein change: p.His773Asn; replaces histidine 773 with asparagine.
Molecular consequence: missense variant.
Genome position (GRCh38, 1-based): chr16:68,829,675, C>A. VCF-style: chr16-68829675-C-A. GRCh37 (hg19) VCF-style: chr16-68863578-C-A.
Other names: c.2134C>A, p.His712Asn (NM_001317184.2); c.769C>A, p.His257Asn (NM_001317185.2); c.352C>A, p.His118Asn (NM_001317186.2); short protein forms H257N, H118N, H712N, H773N.
Identifiers: ClinVar variation 3998764 (VCV003998764.1).